The following is an entry in ClinVar:

NM_025074.7(FRAS1):c.10293C>G (p.His3431Gln)

Gene: FRAS1 (Fraser extracellular matrix complex subunit 1; plus strand). Cytogenetic location: 4q21.21.
Variant type: single nucleotide variant.
Coding change: c.10293C>G on transcript NM_025074.7 (MANE Select); coding-DNA position 10293, C replaced by G.
Protein change: p.His3431Gln; replaces histidine 3431 with glutamine.
Molecular consequence: missense variant.
Genome position (GRCh38, 1-based): chr4:78,515,917, C>G. VCF-style: chr4-78515917-C-G. GRCh37 (hg19) VCF-style: chr4-79437071-C-G.
Other names: short protein forms H3431Q.
Identifiers: ClinVar variation 3279737 (VCV003279737.3).

ClinVar aggregate classification (germline): Uncertain significance. Review status: criteria provided, multiple submitters, no conflicts (2 of 4 stars). 3 submissions from 3 submitters: Uncertain significance (3). Last evaluated 2024-12-10.

Conditions:
Fraser syndrome 1 (FRASRS1). Also called: CRYPTOPHTHALMOS WITH OTHER MALFORMATIONS. Identifiers: Orphanet 2052, MedGen C4551480, MONDO:0054737, OMIM 219000.
Inborn genetic diseases. Identifiers: MedGen C0950123, MeSH D030342.

gnomAD v4.1: 7 of 1,614,004 alleles (0.00043%); highest among the groups gnomAD compares: East Asian, 0.0045%; no homozygotes.

Submissions (3):

Labcorp Genetics (formerly Invitae), Labcorp
Classification: Uncertain significance. Last evaluated: 2024-12-10. Review status: criteria provided, single submitter. Criteria: Invitae Variant Classification Sherloc (09022015). Collection method: clinical testing. Allele origin: germline.
Comment: This sequence change replaces histidine, which is basic and polar, with glutamine, which is neutral and polar, at codon 3431 of the FRAS1 protein (p.His3431Gln). This variant is present in population databases (rs777641115, gnomAD 0.006%). This variant has not been reported in the literature in individuals affected with FRAS1-related conditions. Invitae Evidence Modeling of protein sequence and biophysical properties (such as structural, functional, and spatial information, amino acid conservation, physicochemical variation, residue mobility, and thermodynamic stability) indicates that this missense variant is not expected to disrupt FRAS1 protein function with a negative predictive value of 80%. In summary, the available evidence is currently insufficient to determine the role of this variant in disease. Therefore, it has been classified as a Variant of Uncertain Significance.

Ambry Genetics
Classification: Uncertain significance for Inborn genetic diseases. Last evaluated: 2024-04-06. Review status: criteria provided, single submitter. Criteria: Ambry Variant Classification Scheme 2023. Collection method: clinical testing. Allele origin: germline.

Fulgent Genetics
Classification: Uncertain significance for Fraser syndrome 1. Last evaluated: 2024-01-05. Review status: criteria provided, single submitter. Criteria: ACMG Guidelines, 2015. Collection method: clinical testing. Allele origin: germline.